The following is an entry in ClinVar:

NM_001291867.2(NHS):c.583A>G (p.Ile195Val)

Gene: NHS (NHS actin remodeling regulator; plus strand). Cytogenetic location: Xp22.13.
Variant type: single nucleotide variant.
Coding change: c.583A>G on transcript NM_001291867.2 (MANE Select); coding-DNA position 583, A replaced by G.
Protein change: p.Ile195Val; replaces isoleucine 195 with valine.
Molecular consequence: missense variant.
Genome position (GRCh38, 1-based): chrX:17,687,759, A>G. VCF-style: chrX-17687759-A-G. GRCh37 (hg19) VCF-style: chrX-17705879-A-G.
Other names: c.52A>G, p.Ile18Val (NM_001136024.4, NM_001291868.2); c.583A>G, p.Ile195Val (NM_198270.4); short protein forms I18V, I195V.
Identifiers: ClinVar variation 3695475 (VCV003695475.2).

ClinVar aggregate classification (germline): Uncertain significance (1 of 4 stars; one submission).

Conditions:
Nance-Horan syndrome (NHS). Identifiers: Orphanet 627, MedGen C0796085, MONDO:0010545, OMIM 302350.

gnomAD v4.1: 13 of 1,211,992 alleles (0.0011%); highest among the groups gnomAD compares: Non-Finnish European, 0.0015%; no homozygotes.

Submission:

Labcorp Genetics (formerly Invitae), Labcorp
Classification: Uncertain significance for Nance-Horan syndrome. Last evaluated: 2025-07-07. Review status: criteria provided, single submitter. Criteria: Invitae Variant Classification Sherloc (09022015). Collection method: clinical testing. Allele origin: germline.
Comment: This sequence change replaces isoleucine, which is neutral and non-polar, with valine, which is neutral and non-polar, at codon 195 of the NHS protein (p.Ile195Val). This variant is not present in population databases (gnomAD no frequency). This variant has not been reported in the literature in individuals affected with NHS-related conditions. ClinVar contains an entry for this variant (Variation ID: 3695475). Invitae Evidence Modeling of protein sequence and biophysical properties (such as structural, functional, and spatial information, amino acid conservation, physicochemical variation, residue mobility, and thermodynamic stability) indicates that this missense variant is not expected to disrupt NHS protein function with a negative predictive value of 80%. In summary, the available evidence is currently insufficient to determine the role of this variant in disease. Therefore, it has been classified as a Variant of Uncertain Significance.